The following is an entry in ClinVar:

ClinVar aggregate classification (germline): Uncertain significance. Review status: criteria provided, multiple submitters, no conflicts (2 of 4 stars). 2 submissions from 2 submitters: Uncertain significance (2). Last evaluated 2025-11-03.

Conditions:
Familial hypercholesterolemia. Also called: Familial hypercholesterolaemia. Identifiers: MedGen C0020445, MONDO:0005439.
Cardiovascular phenotype. Identifiers: MedGen CN230736.

Submissions (2):

Color Diagnostics, LLC DBA Color Health
Classification: Uncertain significance for Familial hypercholesterolemia. Last evaluated: 2025-11-03. Review status: criteria provided, single submitter. Criteria: ACMG Guidelines, 2015. Collection method: clinical testing. Allele origin: germline.
Comment: This missense variant replaces phenylalanine with isoleucine at codon 270 of the PCSK9 protein. Computational prediction suggests that this variant may have deleterious impact on protein structure and function. To our knowledge, functional studies have not been reported for this variant. This variant has not been reported in individuals affected with familial hypercholesterolemia in the literature. This variant has not been identified in the general population by the Genome Aggregation Database (gnomAD). The available evidence is insufficient to determine the role of this variant in disease conclusively. Therefore, this variant is classified as a Variant of Uncertain Significance.

Ambry Genetics
Classification: Uncertain significance for Cardiovascular phenotype. Last evaluated: 2024-12-08. Review status: criteria provided, single submitter. Criteria: Ambry Variant Classification Scheme 2023. Collection method: clinical testing. Allele origin: germline.
Comment: The p.F270I variant (also known as c.808T>A), located in coding exon 6 of the PCSK9 gene, results from a T to A substitution at nucleotide position 808. The phenylalanine at codon 270 is replaced by isoleucine, an amino acid with highly similar properties. This amino acid position is conserved. In addition, the in silico prediction for this alteration is inconclusive. Based on the available evidence, the clinical significance of this variant remains unclear.

NM_174936.4(PCSK9):c.808T>A (p.Phe270Ile)

Gene: PCSK9 (proprotein convertase subtilisin/kexin type 9; plus strand). Cytogenetic location: 1p32.3.
Variant type: single nucleotide variant.
Coding change: c.808T>A on transcript NM_174936.4 (MANE Select); coding-DNA position 808, T replaced by A.
Protein change: p.Phe270Ile; replaces phenylalanine 270 with isoleucine.
Molecular consequence: missense variant.
Genome position (GRCh38, 1-based): chr1:55,056,001, T>A. VCF-style: chr1-55056001-T-A. GRCh37 (hg19) VCF-style: chr1-55521674-T-A.
Other names: c.931T>A, p.Phe311Ile (NM_001407240.1); c.808T>A, p.Phe270Ile (NM_001407241.1, NM_001407244.1, NM_001407247.1); c.811T>A, p.Phe271Ile (NM_001407242.1); c.751T>A, p.Phe251Ile (NM_001407243.1); c.616T>A, p.Phe206Ile (NM_001407245.1); c.433T>A, p.Phe145Ile (NM_001407246.1); short protein forms F270I, F311I, F145I, F251I, F206I, F271I.
Identifiers: ClinVar variation 1172064 (VCV001172064.6), dbSNP rs2100311351, ClinGen allele CA340474291.